The following is an entry in ClinVar:

NM_031418.4(ANO3):c.692+1G>A

Gene: ANO3 (anoctamin 3; plus strand). Cytogenetic location: 11p14.2.
Variant type: single nucleotide variant.
Coding change: c.692+1G>A on transcript NM_031418.4 (MANE Select); the canonical splice donor site of the intron after coding-DNA position 692, G replaced by A.
Molecular consequence: splice donor variant.
Genome position (GRCh38, 1-based): chr11:26,516,928, G>A. VCF-style: chr11-26516928-G-A. GRCh37 (hg19) VCF-style: chr11-26538475-G-A.
Other names: c.875+1G>A (NM_001313726.2); c.254+1G>A (NM_001313727.2).
Identifiers: ClinVar variation 2811329 (VCV002811329.3), dbSNP rs2494897441, ClinGen allele CA379929250.

ClinVar aggregate classification (germline): Uncertain significance (1 of 4 stars; one submission).

Conditions:
Dystonic disorder. Also called: Dystonia. Identifiers: MedGen C0013421, MONDO:0003441, HP:0001332.

Submission:

Labcorp Genetics (formerly Invitae), Labcorp
Classification: Uncertain significance for Dystonic disorder. Last evaluated: 2022-12-13. Review status: criteria provided, single submitter. Criteria: Invitae Variant Classification Sherloc (09022015). Collection method: clinical testing. Allele origin: germline.
Comment: In summary, the available evidence is currently insufficient to determine the role of this variant in disease. Therefore, it has been classified as a Variant of Uncertain Significance. Algorithms developed to predict the effect of sequence changes on RNA splicing suggest that this variant may disrupt the consensus splice site. This variant has not been reported in the literature in individuals affected with ANO3-related conditions. This variant is not present in population databases (gnomAD no frequency). This sequence change affects a donor splice site in intron 6 of the ANO3 gene. It is expected to disrupt RNA splicing. Variants that disrupt the donor or acceptor splice site typically lead to a loss of protein function (PMID: 16199547), however the current clinical and genetic evidence is not sufficient to establish whether loss-of-function variants in ANO3 cause disease.

Literature cited by the submitters: PubMed 16199547.